The following is an entry in ClinVar:

NM_001042492.3(NF1):c.288+1dup

Gene: NF1 (neurofibromin 1; plus strand). Cytogenetic location: 17q11.2.
Variant type: Duplication.
Coding change: c.288+1dup on transcript NM_001042492.3 (MANE Select); the canonical splice donor site of the intron after coding-DNA position 288, one base duplicated (G; older notation c.288+1dupG).
Molecular consequence: splice donor variant.
Genome position (GRCh38, 1-based): chr17:31,159,094, G duplicated; the last of 4 consecutive G bases (chr17:31,159,091-31,159,094); duplicating any one gives the same sequence. VCF-style (leftmost placement, unchanged base first): chr17-31159090-T-TG. GRCh37 (hg19) VCF-style: chr17-29486108-T-TG.
Other names: c.288+1dup (NM_000267.4, NM_001128147.3).
Identifiers: ClinVar variation 3891306 (VCV003891306.2).

ClinVar aggregate classification (germline): Pathogenic/Likely pathogenic. Review status: criteria provided, multiple submitters, no conflicts (2 of 4 stars). 2 submissions from 2 submitters: Pathogenic (1); Likely pathogenic (1). Last evaluated 2025-03-05.

Conditions:
NF1-related disorder. Also called: NF1-related condition. Identifiers: MedGen CN379171.
Hereditary cancer-predisposing syndrome. Also called: Neoplastic Syndromes, Hereditary; Tumor predisposition; Hereditary Cancer Syndrome; Hereditary neoplastic syndrome. Identifiers: Orphanet 140162, MedGen C0027672, MeSH D009386, MONDO:0015356.

Submissions (2):

Molecular Diagnostics Laboratory, Catalan Institute of Oncology
Classification: Likely pathogenic for Hereditary cancer-predisposing syndrome. Last evaluated: 2025-03-05. Review status: criteria provided, single submitter. Criteria: ACMG Guidelines, 2015. Collection method: clinical testing. Allele origin: germline.
Comment: PVS1_Strong (RNA), PM2_Supporting, PP4 XM (06/3/2025):PVS1_Strong (RNA)+ PM2_Supporting+PP4-> pPAT. c.288+1dup, located in a canonic splicing site of the NF1 gene is predicted to alter splicing. Computational tools predicts that the variant impairs the splicing donor site of intron 3. RNA studies have shown that disruption of this splice site results introduces a premature termination codon (r.288dup; p.Gln97Alafs*10)(internal data) (PVS1_Strong(RNA). It is not present in the population database gnomAD v2.1.1, non cancer dataset (PM2_supporting). To our knowledge, no functional studies have been reported for this variant. In addition, it has not been reported neither in ClinVar not LOVD databases. Based on currently available information, the variant c.288+1dup is classified as a likely pathogenic variant according to ACMG guidelines.

Blueprint Genetics
Classification: Pathogenic for NF1-related disorders. Last evaluated: 2024-07-18. Review status: criteria provided, single submitter. Criteria: ACMG Guidelines, 2015. Collection method: clinical testing. Allele origin: germline. Affected: yes. Observed: 1 variant allele.